The following is an entry in ClinVar:

NM_000540.3(RYR1):c.14776_14778del (p.Ile4926del)

Gene: RYR1 (ryanodine receptor 1; plus strand). Cytogenetic location: 19q13.2.
Variant type: Deletion.
Coding change: c.14776_14778del on transcript NM_000540.3 (MANE Select); coding-DNA positions 14776 to 14778, 3 bases deleted (ATC; older notation c.14776_14778delATC).
Protein change: p.Ile4926del; deletes isoleucine 4926.
Molecular consequence: inframe deletion.
Genome position (GRCh38, 1-based): chr19:38,585,072-38,585,074, ATC deleted; deleting any 3 consecutive bases within chr19:38,585,070-38,585,074 gives the same sequence; the c. name uses the placement nearest the transcript's 3' end. VCF-style (leftmost placement, unchanged base first): chr19-38585069-GTCA-G. GRCh37 (hg19) VCF-style: chr19-39075709-GTCA-G.
Other names: c.14761_14763del, p.Ile4921del (NM_001042723.2); short protein forms I4921del, I4926del.
Identifiers: ClinVar variation 2982416 (VCV002982416.3), dbSNP rs2514773732, ClinGen allele CA2695228719.

ClinVar aggregate classification (germline): Uncertain significance (1 of 4 stars; one submission).

Conditions:
RYR1-related disorder. Also called: RYR1-related condition; RYR1-related disorders. Identifiers: MedGen CN239331.

Submission:

Labcorp Genetics (formerly Invitae), Labcorp
Classification: Uncertain significance for RYR1-related disorder. Last evaluated: 2023-04-09. Review status: criteria provided, single submitter. Criteria: Invitae Variant Classification Sherloc (09022015). Collection method: clinical testing. Allele origin: germline.
Comment: In summary, the available evidence is currently insufficient to determine the role of this variant in disease. Therefore, it has been classified as a Variant of Uncertain Significance. Experimental studies and prediction algorithms are not available or were not evaluated, and the functional significance of this variant is currently unknown. This variant has been observed in individual(s) with RYR1-related conditions (PMID: 31127727). This variant is not present in population databases (gnomAD no frequency). This variant, c.14776_14778del, results in the deletion of 1 amino acid(s) of the RYR1 protein (p.Ile4926del), but otherwise preserves the integrity of the reading frame.

Literature cited by the submitters: PubMed 31127727.